The following is an entry in ClinVar:

ClinVar aggregate classification (germline): Uncertain significance (1 of 4 stars; one submission).

Conditions:
Epidermolysis bullosa simplex with nail dystrophy (EBS5D). Identifiers: MedGen C4225309, MONDO:0014661, OMIM 616487.
Epidermolysis bullosa simplex 5C, with pyloric atresia (EBS5C). Also called: PLEC-Related Epidermolysis Bullosa with Pyloric Atresia; Epidermolysis bullosa simplex with pyloric atresia; PLEC1-Related Epidermolysis Bullosa with Pyloric Atresia. Identifiers: Orphanet 158684, MedGen C2677349, MONDO:0012807, OMIM 612138.
Epidermolysis bullosa simplex 5B, with muscular dystrophy (EBS5B). Also called: Epidermolysis bullosa simplex with muscular dystrophy; EPIDERMOLYSIS BULLOSA SIMPLEX AND LIMB-GIRDLE MUSCULAR DYSTROPHY. Identifiers: Orphanet 257, MedGen C2931072, MONDO:0009181, OMIM 226670.
Epidermolysis bullosa simplex, Ogna type (EBS5A). Also called: Pidermolysis bullosa simplex 5A, Ogna type; EPIDERMOLYSIS BULLOSA SIMPLEX 5A, OGNA TYPE. Identifiers: Orphanet 79401, MedGen C0432317, MONDO:0007555, OMIM 131950.
Autosomal recessive limb-girdle muscular dystrophy type 2Q (LGMDR17). Also called: MUSCULAR DYSTROPHY, LIMB-GIRDLE, AUTOSOMAL RECESSIVE 17. Identifiers: Orphanet 254361, MedGen C3150989, MONDO:0013390, OMIM 613723.

Allele frequency attached by ClinVar (database versions not stated): gnomAD exomes below 0.00001.
gnomAD v4.1: 1 of 1,612,948 alleles (0.000062%); highest among the groups gnomAD compares: Non-Finnish European, 0.000085%; no homozygotes.

Submission:

Labcorp Genetics (formerly Invitae), Labcorp
Classification: Uncertain significance for Autosomal recessive limb-girdle muscular dystrophy type 2Q; Epidermolysis bullosa simplex, Ogna type; Epidermolysis bullosa simplex with nail dystrophy; Epidermolysis bullosa simplex 5C, with pyloric atresia; Epidermolysis bullosa simplex 5B, with muscular dystrophy. Last evaluated: 2020-09-24. Review status: criteria provided, single submitter. Criteria: Invitae Variant Classification Sherloc (09022015). Collection method: clinical testing. Allele origin: germline.
Comment: In summary, the available evidence is currently insufficient to determine the role of this variant in disease. Therefore, it has been classified as a Variant of Uncertain Significance. Algorithms developed to predict the effect of missense changes on protein structure and function are either unavailable or do not agree on the potential impact of this missense change (SIFT: "Deleterious"; PolyPhen-2: "Not Available"; Align-GVGD: "Class C15"). This variant has not been reported in the literature in individuals with PLEC-related conditions. This variant is not present in population databases (ExAC no frequency). This sequence change replaces glutamic acid with lysine at codon 683 of the PLEC protein (p.Glu683Lys). The glutamic acid residue is highly conserved and there is a small physicochemical difference between glutamic acid and lysine.

NM_201384.3(PLEC):c.1966G>A (p.Glu656Lys)

Gene: PLEC (plectin; minus strand). Cytogenetic location: 8q24.3.
Variant type: single nucleotide variant.
Coding change: c.1966G>A on transcript NM_201384.3 (MANE Select); coding-DNA position 1966, G replaced by A.
Protein change: p.Glu656Lys; replaces glutamic acid 656 with lysine.
Molecular consequence: missense variant.
Genome position (GRCh38, 1-based): chr8:143,932,411, C>T on the plus strand (G>A on the coding strand, the complement: PLEC is on the minus strand). VCF-style: chr8-143932411-C-T. GRCh37 (hg19) VCF-style: chr8-145006579-C-T.
Other names: c.2047G>A, p.Glu683Lys (NM_000445.5); c.1924G>A, p.Glu642Lys (NM_201378.4); c.1900G>A, p.Glu634Lys (NM_201379.3); c.2377G>A, p.Glu793Lys (NM_201380.4); c.1870G>A, p.Glu624Lys (NM_201381.3); c.1966G>A, p.Glu656Lys (NM_201382.4); c.1978G>A, p.Glu660Lys (NM_201383.3); short protein forms E624K, E634K, E642K, E656K, E660K, E683K, E793K.
Identifiers: ClinVar variation 1059892 (VCV001059892.5), dbSNP rs2131899075, ClinGen allele CA372577889.